The following is an entry in ClinVar:

ClinVar aggregate classification (germline): Uncertain significance (1 of 4 stars; one submission).

Submission:

GeneDx
Classification: Uncertain significance. Last evaluated: 2025-04-07. Review status: criteria provided, single submitter. Criteria: GeneDx Variant Classification Process June 2021. Collection method: clinical testing. Allele origin: germline. Affected: yes.
Comment: Not observed at significant frequency in large population cohorts (gnomAD); In silico analysis supports that this missense variant has a deleterious effect on protein structure/function; Has not been previously published as pathogenic or benign to our knowledge

NM_006372.5(SYNCRIP):c.630T>A (p.Phe210Leu)

Gene: SYNCRIP (synaptotagmin binding cytoplasmic RNA interacting protein; minus strand). Cytogenetic location: 6q14.3.
Variant type: single nucleotide variant.
Coding change: c.630T>A on transcript NM_006372.5 (MANE Select); coding-DNA position 630, T replaced by A.
Protein change: p.Phe210Leu; replaces phenylalanine 210 with leucine.
Molecular consequence: missense variant.
Genome position (GRCh38, 1-based): chr6:85,637,003, A>T on the plus strand (T>A on the coding strand, the complement: SYNCRIP is on the minus strand). VCF-style: chr6-85637003-A-T. GRCh37 (hg19) VCF-style: chr6-86346721-A-T.
Other names: c.336T>A, p.Phe112Leu (NM_001159673.2, NM_001410938.1, NM_001439159.1); c.630T>A, p.Phe210Leu (NM_001159674.2, NM_001159675.2, NM_001159676.2 and 5 more transcripts); c.174T>A, p.Phe58Leu (NM_001253771.2); short protein forms F112L, F210L, F58L.
Identifiers: ClinVar variation 4281706 (VCV004281706.1).